The following is an entry in ClinVar:

NM_016507.4(CDK12):c.95G>C (p.Ser32Thr)

Genes: CDK12 (cyclin dependent kinase 12; plus strand), LOC126862553 (CDK7 strongly-dependent group 2 enhancer GRCh37_chr17:37618166-37619365; plus strand). Cytogenetic location: 17q12.
Variant type: single nucleotide variant.
Coding change: c.95G>C on transcript NM_016507.4 (MANE Select); coding-DNA position 95, G replaced by C.
Protein change: p.Ser32Thr; replaces serine 32 with threonine.
Molecular consequence: missense variant.
Genome position (GRCh38, 1-based): chr17:39,462,166, G>C. VCF-style: chr17-39462166-G-C. GRCh37 (hg19) VCF-style: chr17-37618419-G-C.
Other names: c.95G>C, p.Ser32Thr (NM_015083.4); short protein forms S32T.
Identifiers: ClinVar variation 5034047 (VCV005034047.1).

ClinVar aggregate classification (germline): Uncertain significance (1 of 4 stars; one submission).

Submission:

Ambry Genetics
Classification: Uncertain significance. Last evaluated: 2026-06-15. Review status: criteria provided, single submitter. Criteria: Ambry Variant Classification Scheme 2023. Collection method: clinical testing. Allele origin: germline.
Comment: The p.S32T variant (also known as c.95G>C), located in coding exon 1 of the CDK12 gene, results from a G to C substitution at nucleotide position 95. The serine at codon 32 is replaced by threonine, an amino acid with similar properties. This amino acid position is conserved. In addition, this alteration is predicted to be tolerated by in silico analysis. Based on the available evidence, the clinical significance of this variant remains unclear.